The following is an entry in ClinVar:

NM_015662.3(IFT172):c.515C>G (p.Ala172Gly)

Gene: IFT172 (intraflagellar transport 172; minus strand). Cytogenetic location: 2p23.3.
Variant type: single nucleotide variant.
Coding change: c.515C>G on transcript NM_015662.3 (MANE Select); coding-DNA position 515, C replaced by G.
Protein change: p.Ala172Gly; replaces alanine 172 with glycine.
Molecular consequence: missense variant.
Genome position (GRCh38, 1-based): chr2:27,483,344, G>C on the plus strand (C>G on the coding strand, the complement: IFT172 is on the minus strand). VCF-style: chr2-27483344-G-C. GRCh37 (hg19) VCF-style: chr2-27706211-G-C.
Other names: c.515C>G, p.Ala172Gly (NM_001410739.1); short protein forms A172G.
Identifiers: ClinVar variation 4997841 (VCV004997841.1).

ClinVar aggregate classification (germline): Uncertain significance (1 of 4 stars; one submission).

Conditions:
IFT172-related disorder. Also called: IFT172-related disorders; IFT172-related condition.

Submission:

PreventionGenetics, part of Exact Sciences
Classification: Uncertain significance for IFT172-related condition. Last evaluated: 2024-11-07. Review status: criteria provided, single submitter. Criteria: ACMG Guidelines, 2015. Collection method: clinical testing. Allele origin: germline.
Comment: The IFT172 c.515C>G variant is predicted to result in the amino acid substitution p.Ala172Gly. To our knowledge, this variant has not been reported in the literature. This variant is reported in 0.0035% of alleles in individuals of European (Non-Finnish) descent in gnomAD. At this time, the clinical significance of this variant is uncertain due to the absence of conclusive functional and genetic evidence.